The following is an entry in ClinVar:

ClinVar aggregate classification (germline): Pathogenic. Review status: criteria provided, single submitter (1 of 4 stars). 2 submissions from 2 submitters: Pathogenic (1). 1 of the submissions does not count toward it. Last evaluated 2024-09-20.

Conditions:
Deficiency of butyryl-CoA dehydrogenase (ACADSD). Also called: SCAD DEFICIENCY, MILD; ACYL-CoA DEHYDROGENASE, SHORT-CHAIN, DEFICIENCY OF; SCAD Deficiency; SCADH DEFICIENCY; ACADS DEFICIENCY; Short-Chain Acyl-CoA Dehydrogenase Deficiency. Identifiers: Orphanet 26792, MedGen C0342783, MONDO:0008722, OMIM 201470. Disease mechanism: May be benign.

Allele frequency attached by ClinVar (database versions not stated): gnomAD exomes 0.00001.

Submissions (2):

GeneDx
Classification: Pathogenic. Last evaluated: 2024-09-20. Review status: criteria provided, single submitter. Criteria: GeneDx Variant Classification Process June 2021. Collection method: clinical testing. Allele origin: germline. Affected: yes.
Comment: Nonsense variant predicted to result in protein truncation or nonsense mediated decay in a gene for which loss of function is a known mechanism of disease; Not observed at significant frequency in large population cohorts (gnomAD); This variant is associated with the following publications: (PMID: 22241096)

Counsyl
Classification: Likely pathogenic for Deficiency of butyryl-CoA dehydrogenase. Last evaluated: 2016-05-11. Review status: no assertion criteria provided. Collection method: clinical testing. Allele origin: unknown. Not counted in ClinVar's aggregate classification.

Literature cited by the submitters: PubMed 22241096 (cited by Counsyl).

NM_000017.4(ACADS):c.527C>A (p.Ser176Ter)

Gene: ACADS (acyl-CoA dehydrogenase short chain; plus strand). Cytogenetic location: 12q24.31.
Variant type: single nucleotide variant.
Coding change: c.527C>A on transcript NM_000017.4 (MANE Select); coding-DNA position 527, C replaced by A.
Protein change: p.Ser176Ter; replaces serine 176 with a stop codon.
Molecular consequence: nonsense. On other transcripts: intron variant (1).
Genome position (GRCh38, 1-based): chr12:120,737,891, C>A. VCF-style: chr12-120737891-C-A. GRCh37 (hg19) VCF-style: chr12-121175694-C-A.
Other names: c.473-158C>A (NM_001302554.2); short protein forms S176*.
Identifiers: ClinVar variation 370891 (VCV000370891.4), dbSNP rs1057516848, ClinGen allele CA16041568.